The following is an entry in ClinVar:

ClinVar aggregate classification (germline): Uncertain significance (1 of 4 stars; one submission).

Conditions:
Nemaline myopathy 2 (NEM2). Also called: Nemaline myopathy 2, autosomal recessive. Identifiers: MedGen C1850569, MONDO:0009725, OMIM 256030.

Allele frequency attached by ClinVar (database versions not stated): TOPMed below 0.00001; gnomAD 0.00001.
gnomAD v4.1: 1 of 1,602,792 alleles (0.000062%); highest among the groups gnomAD compares: Non-Finnish European, 0.000085%; no homozygotes.

Submission:

Labcorp Genetics (formerly Invitae), Labcorp
Classification: Uncertain significance for Nemaline myopathy 2. Last evaluated: 2024-04-05. Review status: criteria provided, single submitter. Criteria: Invitae Variant Classification Sherloc (09022015). Collection method: clinical testing. Allele origin: germline.
Comment: This sequence change replaces glycine, which is neutral and non-polar, with arginine, which is basic and polar, at codon 7327 of the NEB protein (p.Gly7327Arg). This variant is not present in population databases (gnomAD no frequency). This variant has not been reported in the literature in individuals affected with NEB-related conditions. ClinVar contains an entry for this variant (Variation ID: 1720531). Experimental studies and prediction algorithms are not available or were not evaluated, and the functional significance of this variant is currently unknown. In summary, the available evidence is currently insufficient to determine the role of this variant in disease. Therefore, it has been classified as a Variant of Uncertain Significance.

NM_001164508.2(NEB):c.21874G>C (p.Gly7292Arg)

Genes: NEB (nebulin; minus strand), RIF1 (replication timing regulatory factor 1; plus strand). Cytogenetic location: 2q23.3.
Variant type: single nucleotide variant.
Coding change: c.21874G>C on transcript NM_001164508.2 (MANE Select); coding-DNA position 21874, G replaced by C.
Protein change: p.Gly7292Arg; replaces glycine 7292 with arginine.
Molecular consequence: missense variant.
Genome position (GRCh38, 1-based): chr2:151,526,989, C>G on the plus strand (G>C on the coding strand, the complement: NEB is on the minus strand). VCF-style: chr2-151526989-C-G. GRCh37 (hg19) VCF-style: chr2-152383503-C-G.
Other names: c.21874G>C, p.Gly7292Arg (NM_001164507.2); c.21979G>C, p.Gly7327Arg (NM_001271208.2); c.16771G>C, p.Gly5591Arg (NM_004543.5); short protein forms G5591R, G7292R, G7327R.
Identifiers: ClinVar variation 1720531 (VCV001720531.5), dbSNP rs1461639452, ClinGen allele CA348768393.